The following is an entry in ClinVar:

ClinVar aggregate classification (germline): Uncertain significance. Review status: criteria provided, multiple submitters, no conflicts (2 of 4 stars). 9 submissions from 9 submitters: Uncertain significance (8). 1 of the submissions does not count toward it. Last evaluated 2025-12-23.

Conditions:
Hereditary cancer-predisposing syndrome. Also called: Neoplastic Syndromes, Hereditary; Tumor predisposition; Hereditary neoplastic syndrome; Hereditary Cancer Syndrome. Identifiers: Orphanet 140162, MedGen C0027672, MeSH D009386, MONDO:0015356.
Familial cancer of breast. Also called: BREAST CANCER, FAMILIAL; Hereditary breast cancer; hereditary breast carcinoma. Identifiers: Orphanet 227535, MedGen C0346153, MONDO:0016419, OMIM 114480. Disease mechanism: loss of function.
Hereditary diffuse gastric adenocarcinoma (HDGC). Also called: DIFFUSE GASTRIC AND LOBULAR BREAST CANCER SYNDROME. Identifiers: Orphanet 26106, MedGen C1708349, MONDO:0007648, OMIM 137215.

Allele frequency attached by ClinVar (database versions not stated): gnomAD exomes below 0.00001 and 0.00001; TOPMed below 0.00001; ExAC 0.00001; gnomAD 0.00001.
gnomAD v4.1: 7 of 1,613,942 alleles (0.00043%); highest among the groups gnomAD compares: East Asian, 0.0045%; no homozygotes.

Submissions (9):

Labcorp Genetics (formerly Invitae), Labcorp
Classification: Uncertain significance for Hereditary diffuse gastric adenocarcinoma. Last evaluated: 2025-12-23. Review status: criteria provided, single submitter. Criteria: Invitae Variant Classification Sherloc (09022015). Collection method: clinical testing. Allele origin: germline.
Comment: This sequence change replaces alanine, which is neutral and non-polar, with threonine, which is neutral and polar, at codon 778 of the CDH1 protein (p.Ala778Thr). This variant is present in population databases (rs777078601, gnomAD 0.003%). This missense change has been observed in individual(s) with breast cancer (PMID: 28580595, 35534704, 35957908). ClinVar contains an entry for this variant (Variation ID: 239893). An algorithm developed to predict the effect of missense changes on protein structure and function (PolyPhen-2) suggests that this variant is likely to be disruptive. In summary, the available evidence is currently insufficient to determine the role of this variant in disease. Therefore, it has been classified as a Variant of Uncertain Significance.

Ambry Genetics
Classification: Uncertain significance for Hereditary cancer-predisposing syndrome. Last evaluated: 2025-06-17. Review status: criteria provided, single submitter. Criteria: Ambry Variant Classification Scheme 2023. Collection method: clinical testing. Allele origin: germline.
Comment: The p.A778T variant (also known as c.2332G>A), located in coding exon 15 of the CDH1 gene, results from a G to A substitution at nucleotide position 2332. The alanine at codon 778 is replaced by threonine, an amino acid with similar properties. This variant has been reported in several individuals with breast cancer (Xie Y et al. Clin Genet, 2018 Jan;93:41-51; Garcia-Pelaez J et al. Lancet Oncol, 2023 Jan;24:91-106). This amino acid position is well conserved in available vertebrate species. In addition, the in silico prediction for this alteration is inconclusive. Based on the available evidence, the clinical significance of this variant remains unclear.

Color Diagnostics, LLC DBA Color Health
Classification: Uncertain significance for Hereditary cancer-predisposing syndrome. Last evaluated: 2025-04-21. Review status: criteria provided, single submitter. Criteria: ACMG Guidelines, 2015. Collection method: clinical testing. Allele origin: germline.
Comment: This missense variant replaces alanine with threonine at codon 778 of the CDH1 protein. To our knowledge, functional studies have not been reported for this variant. This variant has been reported in an individual affected with breast cancer in the literature (PMID: 28580595), and it has been detected in a breast cancer case-control meta-analysis in 1/60466 cases and 0/53461 unaffected individuals (PMID: 33471991Leiden Open Variation Database DB-ID CDH1_000685). This variant has been identified in 2/251448 chromosomes in the general population by the Genome Aggregation Database (gnomAD). The available evidence is insufficient to determine the role of this variant in disease conclusively. Therefore, this variant is classified as a Variant of Uncertain Significance.

Center for Genomic Medicine, Rigshospitalet, Copenhagen University Hospital
Classification: Uncertain significance. Last evaluated: 2025-03-04. Review status: criteria provided, single submitter. Criteria: ACMG Guidelines, 2015. Collection method: clinical testing. Allele origin: germline.

Baylor Genetics
Classification: Uncertain significance for Familial cancer of breast. Last evaluated: 2023-12-18. Review status: criteria provided, single submitter. Criteria: ACMG Guidelines, 2015. Collection method: clinical testing. Allele origin: unknown.

Myriad Genetics, Inc.
Classification: Uncertain significance for Hereditary diffuse gastric adenocarcinoma. Last evaluated: 2023-03-03. Review status: criteria provided, single submitter. Criteria: Myriad Autosomal Dominant, Autosomal Recessive and X-Linked Classification Criteria (2023). Collection method: clinical testing. Allele origin: unknown.
Comment: This variant is classified as a variant of uncertain significance as there is insufficient evidence to determine its impact on protein function and/or cancer risk.

European Reference Network on Genetic Tumour Risk Syndromes (ERN-GENTURIS), i3s - Instituto de Investigação e Inovação em Saúde, University of Porto
Classification: Uncertain significance for Hereditary diffuse gastric adenocarcinoma. Last evaluated: 2022-08-01. Review status: criteria provided, single submitter. Criteria: Lee et al. (Hum Mutat. 2018). Collection method: clinical testing. Allele origin: germline. Inheritance: Autosomal dominant inheritance. Affected: no. Study: ERN GENTURIS.
Comment: PM2 (PMID: 30311375)

Mendelics
Classification: Uncertain significance. Last evaluated: 2022-05-04. Review status: criteria provided, single submitter. Criteria: Mendelics Assertion Criteria 2019. Collection method: clinical testing. Allele origin: germline.

Counsyl
Classification: Uncertain significance for Hereditary diffuse gastric adenocarcinoma. Last evaluated: 2016-12-21. Review status: no assertion criteria provided. Collection method: clinical testing. Allele origin: unknown. Not counted in ClinVar's aggregate classification.

Literature cited by the submitters: PubMed 28580595 (cited by 3 submitters); PubMed 35534704 (cited by Labcorp Genetics (formerly Invitae), Labcorp); PubMed 35957908 (cited by Labcorp Genetics (formerly Invitae), Labcorp); PubMed 36436516 (cited by Ambry Genetics and European Reference Network on Genetic Tumour Risk Syndromes (ERN-GENTURIS), i3s - Instituto de Investigação e Inovação em Saúde, University of Porto); PubMed 33471991 (cited by Color Diagnostics, LLC DBA Color Health).

NM_004360.5(CDH1):c.2332G>A (p.Ala778Thr)

Gene: CDH1 (cadherin 1; plus strand). Cytogenetic location: 16q22.1.
Variant type: single nucleotide variant.
Coding change: c.2332G>A on transcript NM_004360.5 (MANE Select); coding-DNA position 2332, G replaced by A.
Protein change: p.Ala778Thr; replaces alanine 778 with threonine.
Molecular consequence: missense variant.
Genome position (GRCh38, 1-based): chr16:68,829,690, G>A. VCF-style: chr16-68829690-G-A. GRCh37 (hg19) VCF-style: chr16-68863593-G-A.
Other names: c.2332G>A (LRG_301t1); c.2149G>A, p.Ala717Thr (NM_001317184.2); c.784G>A, p.Ala262Thr (NM_001317185.2); c.367G>A, p.Ala123Thr (NM_001317186.2); short protein forms A778T, A717T, A123T, A262T.
Identifiers: ClinVar variation 239893 (VCV000239893.25), dbSNP rs777078601, ClinGen allele CA8130258.